The following is an entry in ClinVar:

NM_018699.4(PRDM5):c.154A>G (p.Met52Val)

Gene: PRDM5 (PR/SET domain 5; minus strand). Cytogenetic location: 4q27.
Variant type: single nucleotide variant.
Coding change: c.154A>G on transcript NM_018699.4 (MANE Select); coding-DNA position 154, A replaced by G.
Protein change: p.Met52Val; replaces methionine 52 with valine.
Molecular consequence: missense variant.
Genome position (GRCh38, 1-based): chr4:120,907,497, T>C on the plus strand (A>G on the coding strand, the complement: PRDM5 is on the minus strand). VCF-style: chr4-120907497-T-C. GRCh37 (hg19) VCF-style: chr4-121828652-T-C.
Other names: c.154A>G, p.Met52Val (NM_001300823.2, NM_001300824.2, NM_001379104.1 and 1 more transcripts); short protein forms M52V.
Identifiers: ClinVar variation 1435916 (VCV001435916.10), dbSNP rs766857802, ClinGen allele CA3061492.
Genomic context (GRCh38, chr4:120,907,497, plus strand): 5'-AATATATTTTTAACATTAAAATAAGTCATATCCTCACCTCCCACATCAACCTGTAATCCA[T>C]ATTTTCATCCAAGTCTTCAGGCATTCTCTTCTCTCCAGCAAAGGGTCCGAACTTTTCACC-3'
Protein context (NP_061169.2, residues 42-62): KRMPEDLDEN[Met52Val]DYRLMWEVRG

ClinVar aggregate classification (germline): Conflicting classifications of pathogenicity. Review status: criteria provided, conflicting classifications (1 of 4 stars). 4 submissions from 4 submitters: Uncertain significance (3); Likely benign (1). Last evaluated 2025-09-16.

Conditions:
Cardiovascular phenotype. Identifiers: MedGen CN230736.

Allele frequency attached by ClinVar (database versions not stated): ExAC 0.00002; gnomAD exomes 0.00003 and 0.00007; gnomAD 0.00004; TOPMed 0.00006.
gnomAD v4.1: 104 of 1,611,462 alleles (0.0065%); highest among the groups gnomAD compares: Non-Finnish European, 0.0087%; no homozygotes.

Submissions (4):

Women's Health and Genetics/Laboratory Corporation of America, LabCorp
Classification: Uncertain significance. Last evaluated: 2025-09-16. Review status: criteria provided, single submitter. Criteria: LabCorp Variant Classification Summary - May 2015. Collection method: clinical testing. Allele origin: germline.
Comment: Variant summary: PRDM5 c.154A>G (p.Met52Val) results in a conservative amino acid change in the encoded protein sequence. Algorithms developed to predict the effect of missense changes on protein structure and function all suggest that this variant is likely to be tolerated. The variant allele was found at a frequency of 2.8e-05 in 251404 control chromosomes. The available data on variant occurrences in the general population are insufficient to allow any conclusion about variant significance. To our knowledge, no occurrence of c.154A>G in individuals affected with PRDM5-related conditions and no experimental evidence demonstrating its impact on protein function have been reported. ClinVar contains an entry for this variant (Variation ID: 1435916). Based on the evidence outlined above, the variant was classified as uncertain significance.

GeneDx
Classification: Uncertain significance. Last evaluated: 2025-04-22. Review status: criteria provided, single submitter. Criteria: GeneDx Variant Classification Process June 2021. Collection method: clinical testing. Allele origin: germline. Affected: yes.
Comment: Not observed at significant frequency in large population cohorts (gnomAD); In silico analysis indicates that this missense variant does not alter protein structure/function; Has not been previously published as pathogenic or benign to our knowledge

Ambry Genetics
Classification: Likely benign for Cardiovascular phenotype. Last evaluated: 2025-04-16. Review status: criteria provided, single submitter. Criteria: Ambry Variant Classification Scheme 2023. Collection method: clinical testing. Allele origin: germline.

Labcorp Genetics (formerly Invitae), Labcorp
Classification: Uncertain significance. Last evaluated: 2022-06-27. Review status: criteria provided, single submitter. Criteria: Invitae Variant Classification Sherloc (09022015). Collection method: clinical testing. Allele origin: germline.
Comment: This sequence change replaces methionine, which is neutral and non-polar, with valine, which is neutral and non-polar, at codon 52 of the PRDM5 protein (p.Met52Val). This variant is present in population databases (rs766857802, gnomAD 0.006%). This variant has not been reported in the literature in individuals affected with PRDM5-related conditions. Algorithms developed to predict the effect of missense changes on protein structure and function output the following: SIFT: "Tolerated"; PolyPhen-2: "Benign"; Align-GVGD: "Class C0". The valine amino acid residue is found in multiple mammalian species, which suggests that this missense change does not adversely affect protein function. In summary, the available evidence is currently insufficient to determine the role of this variant in disease. Therefore, it has been classified as a Variant of Uncertain Significance.